The following is an entry in ClinVar:

ClinVar aggregate classification (germline): Pathogenic (1 of 4 stars; one submission).

Conditions:
Familial adenomatous polyposis 1 (FAP1). Also called: FAMILIAL ADENOMATOUS POLYPOSIS 1, ATTENUATED; POLYPOSIS, ADENOMATOUS INTESTINAL. Identifiers: MedGen C2713442, MONDO:0021056, OMIM 175100. Disease mechanism: loss of function.

Submission:

Myriad Genetics, Inc.
Classification: Pathogenic for Familial adenomatous polyposis 1. Last evaluated: 2023-05-04. Review status: criteria provided, single submitter. Criteria: Myriad Autosomal Dominant, Autosomal Recessive and X-Linked Classification Criteria (2023). Collection method: clinical testing. Allele origin: unknown.
Comment: This variant is considered pathogenic. This variant creates a frameshift predicted to result in premature protein truncation.

NM_000038.6(APC):c.2630del (p.Gly877fs)

Gene: APC (APC regulator of Wnt signaling pathway; plus strand). Cytogenetic location: 5q22.2.
Variant type: Deletion.
Coding change: c.2630del on transcript NM_000038.6 (MANE Select); coding-DNA position 2630, one base deleted (G; older notation c.2630delG).
Protein change: p.Gly877fs; shifts the reading frame from glycine 877.
Molecular consequence: frameshift variant. On other transcripts: non-coding transcript variant (2).
Genome position (GRCh38, 1-based): chr5:112,838,224, G deleted; the last of 2 consecutive G bases (chr5:112,838,223-112,838,224); deleting either gives the same sequence. VCF-style (leftmost placement, unchanged base first): chr5-112838222-AG-A. GRCh37 (hg19) VCF-style: chr5-112173919-AG-A.
Other names: c.2630del, p.Gly877fs (NM_001127510.3, NM_001354895.2, NM_001407450.1); c.2576del, p.Gly859fs (NM_001127511.3); c.2684del, p.Gly895fs (NM_001354896.2, NM_001407447.1, NM_001407448.1 and 1 more transcripts); c.2660del, p.Gly887fs (NM_001354897.2); c.2555del, p.Gly852fs (NM_001354898.2); c.2546del, p.Gly849fs (NM_001354899.2); c.2507del, p.Gly836fs (NM_001354900.2); c.2453del, p.Gly818fs (NM_001354901.2, NM_001407453.1); and 11 more; short protein forms G493fs, G594fs, G717fs, G748fs, G751fs, G776fs, G786fs, G794fs.
Identifiers: ClinVar variation 2583979 (VCV002583979.1), dbSNP rs2533437734, ClinGen allele CA2582341348.
Genomic context (GRCh38, chr5:112,838,222, plus strand): 5'-CGGAATTGGTCTAGGCAACTACCATCCAGCAACAGAAAATCCAGGAACTTCTTCAAAGCG[AG>A]GTTTGCAGATCTCCACCACTGCAGCCCAGATTGCCAAAGTCATGGAAGAAGTGTCAGCCA-3'